The following is an entry in ClinVar:

ClinVar aggregate classification (germline): Uncertain significance. Review status: criteria provided, multiple submitters, no conflicts (2 of 4 stars). 2 submissions from 2 submitters: Uncertain significance (2). Last evaluated 2025-06-11.

Conditions:
Neuropathy, hereditary sensory and autonomic, type 1C. Also called: HSAN IC; HSN IC. Identifiers: Orphanet 36386, MedGen C3150896, MONDO:0013337, OMIM 613640.

Allele frequency attached by ClinVar (database versions not stated): gnomAD 0.00001; TOPMed 0.00001.
gnomAD v4.1: 6 of 1,613,898 alleles (0.00037%); highest among the groups gnomAD compares: Non-Finnish European, 0.00051%; no homozygotes.

Submissions (2):

Labcorp Genetics (formerly Invitae), Labcorp
Classification: Uncertain significance for Neuropathy, hereditary sensory and autonomic, type 1C. Last evaluated: 2025-06-11. Review status: criteria provided, single submitter. Criteria: Invitae Variant Classification Sherloc (09022015). Collection method: clinical testing. Allele origin: germline.
Comment: This sequence change replaces histidine, which is basic and polar, with asparagine, which is neutral and polar, at codon 154 of the SPTLC2 protein (p.His154Asn). This variant is present in population databases (no rsID available, gnomAD 0.007%). This variant has not been reported in the literature in individuals affected with SPTLC2-related conditions. ClinVar contains an entry for this variant (Variation ID: 471493). Invitae Evidence Modeling of protein sequence and biophysical properties (such as structural, functional, and spatial information, amino acid conservation, physicochemical variation, residue mobility, and thermodynamic stability) indicates that this missense variant is not expected to disrupt SPTLC2 protein function with a negative predictive value of 95%. In summary, the available evidence is currently insufficient to determine the role of this variant in disease. Therefore, it has been classified as a Variant of Uncertain Significance.

ARUP Laboratories, Molecular Genetics and Genomics, ARUP Laboratories
Classification: Uncertain significance for Neuropathy, hereditary sensory and autonomic, type 1C. Last evaluated: 2022-04-13. Review status: criteria provided, single submitter. Criteria: ARUP Molecular Germline Variant Investigation Process 2021. Collection method: clinical testing. Allele origin: germline.
Comment: The SPTLC2 c.460C>A; p.His154Asn variant (rs1205341271), to our knowledge, is not reported in the medical literature but is reported in ClinVar (Variation ID: 471493). This variant is only observed on one allele in the Genome Aggregation Database, indicating it is not a common polymorphism. The histidine at codon 154 is moderately conserved, but computational analyses predict that this variant is neutral (REVEL: 0.057). Due to limited information, the clinical significance of this variant is uncertain at this time.

NM_004863.4(SPTLC2):c.460C>A (p.His154Asn)

Gene: SPTLC2 (serine palmitoyltransferase long chain base subunit 2; minus strand). Cytogenetic location: 14q24.3.
Variant type: single nucleotide variant.
Coding change: c.460C>A on transcript NM_004863.4 (MANE Select); coding-DNA position 460, C replaced by A.
Protein change: p.His154Asn; replaces histidine 154 with asparagine.
Molecular consequence: missense variant.
Genome position (GRCh38, 1-based): chr14:77,578,977, G>T on the plus strand (C>A on the coding strand, the complement: SPTLC2 is on the minus strand). VCF-style: chr14-77578977-G-T. GRCh37 (hg19) VCF-style: chr14-78045320-G-T.
Other names: short protein forms H154N.
Identifiers: ClinVar variation 471493 (VCV000471493.12), dbSNP rs1205341271, ClinGen allele CA390700496.